The following is an entry in ClinVar:

ClinVar aggregate classification (germline): Uncertain significance. Review status: criteria provided, multiple submitters, no conflicts (2 of 4 stars). 2 submissions from 2 submitters: Uncertain significance (2). Last evaluated 2024-08-30.

Conditions:
Inborn genetic diseases. Identifiers: MedGen C0950123, MeSH D030342.
Spinocerebellar ataxia type 5 (SCA5). Identifiers: Orphanet 98766, MedGen C0752123, MONDO:0010848, OMIM 600224.
Autosomal recessive spinocerebellar ataxia 14. Also called: CEREBELLAR ATAXIA, AUTOSOMAL RECESSIVE, SPECTRIN-ASSOCIATED, 1. Identifiers: Orphanet 352403, MedGen C4706415, MONDO:0014159, OMIM 615386.

Allele frequency attached by ClinVar (database versions not stated): gnomAD exomes 0.00001 and 0.00002; ExAC 0.00002; TOPMed 0.00002.
gnomAD v4.1: 21 of 1,614,212 alleles (0.0013%); highest among the groups gnomAD compares: South Asian, 0.0033%; no homozygotes.

Submissions (2):

Labcorp Genetics (formerly Invitae), Labcorp
Classification: Uncertain significance. Last evaluated: 2024-08-30. Review status: criteria provided, single submitter. Criteria: Invitae Variant Classification Sherloc (09022015). Collection method: clinical testing. Allele origin: germline.
Comment: This sequence change replaces arginine, which is basic and polar, with histidine, which is basic and polar, at codon 1310 of the SPTBN2 protein (p.Arg1310His). This variant is present in population databases (rs201852582, gnomAD 0.03%). This variant has not been reported in the literature in individuals affected with SPTBN2-related conditions. ClinVar contains an entry for this variant (Variation ID: 585098). Invitae Evidence Modeling of protein sequence and biophysical properties (such as structural, functional, and spatial information, amino acid conservation, physicochemical variation, residue mobility, and thermodynamic stability) indicates that this missense variant is not expected to disrupt SPTBN2 protein function with a negative predictive value of 80%. In summary, the available evidence is currently insufficient to determine the role of this variant in disease. Therefore, it has been classified as a Variant of Uncertain Significance.

Ambry Genetics
Classification: Uncertain significance for Inborn genetic diseases. Last evaluated: 2023-11-14. Review status: criteria provided, single submitter. Criteria: Ambry Variant Classification Scheme 2023. Collection method: clinical testing. Allele origin: germline.

NM_006946.4(SPTBN2):c.3929G>A (p.Arg1310His)

Gene: SPTBN2 (spectrin beta, non-erythrocytic 2; minus strand). Cytogenetic location: 11q13.2.
Variant type: single nucleotide variant.
Coding change: c.3929G>A on transcript NM_006946.4 (MANE Select); coding-DNA position 3929, G replaced by A.
Protein change: p.Arg1310His; replaces arginine 1310 with histidine.
Molecular consequence: missense variant.
Genome position (GRCh38, 1-based): chr11:66,698,724, C>T on the plus strand (G>A on the coding strand, the complement: SPTBN2 is on the minus strand). VCF-style: chr11-66698724-C-T. GRCh37 (hg19) VCF-style: chr11-66466195-C-T.
Other names: c.3929G>A (NM_006946.2); short protein forms R1310H.
Identifiers: ClinVar variation 585098 (VCV000585098.10), dbSNP rs201852582, ClinGen allele CA6128706.